The following is an entry in ClinVar:

ClinVar aggregate classification (germline): Uncertain significance. Review status: criteria provided, single submitter (1 of 4 stars). 2 submissions from 2 submitters: Uncertain significance (1). 1 of the submissions does not count toward it. Last evaluated 2025-09-25.

Conditions:
IFT74-related disorder. Also called: IFT74-related condition; IFT74-Related Disorders.
Inborn genetic diseases. Identifiers: MedGen C0950123, MeSH D030342.

Allele frequency attached by ClinVar (database versions not stated): gnomAD 0.00007; ESP Exome Variant Server 0.00008.
gnomAD v4.1: 19 of 1,595,074 alleles (0.0012%); highest among the groups gnomAD compares: African/African-American, 0.026%; no homozygotes.

Submissions (2):

Ambry Genetics
Classification: Uncertain significance for Inborn genetic diseases. Last evaluated: 2025-09-25. Review status: criteria provided, single submitter. Criteria: Ambry Variant Classification Scheme 2023. Collection method: clinical testing. Allele origin: germline.

PreventionGenetics, part of Exact Sciences
Classification: Uncertain significance for IFT74-related condition. Last evaluated: 2024-08-21. Review status: no assertion criteria provided. Collection method: clinical testing. Allele origin: germline. Not counted in ClinVar's aggregate classification.
Comment: The IFT74 c.131G>T variant is predicted to result in the amino acid substitution p.Gly44Val. To our knowledge, this variant has not been reported in the literature. This variant is reported in 0.030% of alleles in individuals of African descent in gnomAD. At this time, the clinical significance of this variant is uncertain due to the absence of conclusive functional and genetic evidence.

NM_025103.4(IFT74):c.131G>T (p.Gly44Val)

Gene: IFT74 (intraflagellar transport 74; plus strand). Cytogenetic location: 9p21.2.
Variant type: single nucleotide variant.
Coding change: c.131G>T on transcript NM_025103.4 (MANE Select); coding-DNA position 131, G replaced by T.
Protein change: p.Gly44Val; replaces glycine 44 with valine.
Molecular consequence: missense variant.
Genome position (GRCh38, 1-based): chr9:26,978,138, G>T. VCF-style: chr9-26978138-G-T. GRCh37 (hg19) VCF-style: chr9-26978136-G-T.
Other names: c.131G>T (NM_001099222.1); c.131G>T, p.Gly44Val (NM_001099222.3, NM_001099223.3, NM_001099224.3 and 1 more transcripts); short protein forms G44V.
Identifiers: ClinVar variation 3053665 (VCV003053665.3), dbSNP rs371004615, ClinGen allele CA191308202.